The following is an entry in ClinVar:

ClinVar aggregate classification (germline): Uncertain significance (1 of 4 stars; one submission).

Conditions:
Familial sleep-related hypermotor epilepsy. Also called: Autosomal Dominant Sleep-Related Hypermotor (Hyperkinetic) Epilepsy. Identifiers: Orphanet 98784, MedGen C3696898, MONDO:0000030.

Submission:

Labcorp Genetics (formerly Invitae), Labcorp
Classification: Uncertain significance. Last evaluated: 2024-07-31. Review status: criteria provided, single submitter. Criteria: Invitae Variant Classification Sherloc (09022015). Collection method: clinical testing. Allele origin: germline.
Comment: This sequence change affects codon 613 of the CHRNA4 mRNA. It is a 'silent' change, meaning that it does not change the encoded amino acid sequence of the CHRNA4 protein. This variant is present in population databases (no rsID available, gnomAD 0.003%). This variant has not been reported in the literature in individuals affected with CHRNA4-related conditions. Algorithms developed to predict the effect of sequence changes on RNA splicing suggest that this variant may create or strengthen a splice site. In summary, the available evidence is currently insufficient to determine the role of this variant in disease. Therefore, it has been classified as a Variant of Uncertain Significance.

NM_000744.7(CHRNA4):c.1839G>A (p.Gly613=)

Gene: CHRNA4 (cholinergic receptor nicotinic alpha 4 subunit; minus strand). Cytogenetic location: 20q13.33.
Variant type: single nucleotide variant.
Coding change: c.1839G>A on transcript NM_000744.7 (MANE Select); coding-DNA position 1839, G replaced by A.
Protein change: p.Gly613=; no amino-acid change (glycine 613 retained).
Molecular consequence: synonymous variant. On other transcripts: non-coding transcript variant (1).
Genome position (GRCh38, 1-based): chr20:63,346,783, C>T on the plus strand (G>A on the coding strand, the complement: CHRNA4 is on the minus strand). VCF-style: chr20-63346783-C-T. GRCh37 (hg19) VCF-style: chr20-61978135-C-T.
Other names: c.1311G>A, p.Gly437= (NM_001256573.2).
Identifiers: ClinVar variation 3678815 (VCV003678815.2).